The following is an entry in ClinVar:

NM_004928.3(CFAP410):c.545+7C>T

Gene: CFAP410 (cilia and flagella associated protein 410; minus strand). Cytogenetic location: 21q22.3.
Variant type: single nucleotide variant.
Coding change: c.545+7C>T on transcript NM_004928.3 (MANE Select); 7 bases into the intron after coding-DNA position 545, C replaced by T.
Molecular consequence: intron variant.
Genome position (GRCh38, 1-based): chr21:44,331,836, G>A on the plus strand (C>T on the coding strand, the complement: CFAP410 is on the minus strand). VCF-style: chr21-44331836-G-A. GRCh37 (hg19) VCF-style: chr21-45751719-G-A.
Other names: c.545+7C>T (NM_001271440.2, NM_001271441.2); c.422+7C>T (NM_001271442.1).
Identifiers: ClinVar variation 969090 (VCV000969090.10), dbSNP rs537750706, ClinGen allele CA10053633.

ClinVar aggregate classification (germline): Uncertain significance (1 of 4 stars; one submission).

Allele frequency attached by ClinVar (database versions not stated): gnomAD exomes below 0.00001 and 0.00001; ExAC 0.00001; TOPMed 0.00002; gnomAD 0.00003; 1000 Genomes Project 30x 0.00016; 1000 Genomes Project 0.00020.
gnomAD v4.1: 7 of 1,608,844 alleles (0.00044%); highest among the groups gnomAD compares: Admixed American, 0.01%; no homozygotes.

Submission:

Labcorp Genetics (formerly Invitae), Labcorp
Classification: Uncertain significance. Last evaluated: 2019-11-13. Review status: criteria provided, single submitter. Criteria: Invitae Variant Classification Sherloc (09022015). Collection method: clinical testing. Allele origin: germline.
Comment: In summary, the available evidence is currently insufficient to determine the role of this variant in disease. Therefore, it has been classified as a Variant of Uncertain Significance. Algorithms developed to predict the effect of sequence changes on RNA splicing suggest that this variant may create or strengthen a splice site, but this prediction has not been confirmed by published transcriptional studies. This variant has not been reported in the literature in individuals with CFAP410-related conditions. This variant is present in population databases (rs537750706, ExAC 0.007%). This sequence change falls in intron 5 of the CFAP410 gene. It does not directly change the encoded amino acid sequence of the CFAP410 protein.